The following is an entry in ClinVar:

ClinVar aggregate classification (germline): Conflicting classifications of pathogenicity. Review status: criteria provided, conflicting classifications (1 of 4 stars). 3 submissions from 3 submitters: Uncertain significance (2); Likely benign (1). Last evaluated 2025-05-16.

Conditions:
Hereditary cancer-predisposing syndrome. Also called: Hereditary neoplastic syndrome; Tumor predisposition; Hereditary Cancer Syndrome; Neoplastic Syndromes, Hereditary. Identifiers: Orphanet 140162, MedGen C0027672, MeSH D009386, MONDO:0015356.
Hereditary breast ovarian cancer syndrome. Also called: Hereditary breast and ovarian cancer syndrome (HBOC); Hereditary breast and ovarian cancer; Hereditary breast and/or ovarian cancer syndrome; BRCA1- and BRCA2-Associated Hereditary Breast and Ovarian Cancer; Hereditary breast and ovarian cancer syndrome; Breast and ovarian cancer. Identifiers: Orphanet 145, MedGen C0677776, MeSH D061325, MONDO:0003582. Disease mechanism: loss of function.

Allele frequency attached by ClinVar (database versions not stated): gnomAD 0.00001.
gnomAD v4.1: 2 of 1,613,552 alleles (0.00012%); highest among the groups gnomAD compares: East Asian, 0.0022%; no homozygotes.

Submissions (3):

Labcorp Genetics (formerly Invitae), Labcorp
Classification: Uncertain significance for Hereditary breast ovarian cancer syndrome. Last evaluated: 2025-05-16. Review status: criteria provided, single submitter. Criteria: Invitae Variant Classification Sherloc (09022015). Collection method: clinical testing. Allele origin: germline.
Comment: This sequence change replaces valine, which is neutral and non-polar, with leucine, which is neutral and non-polar, at codon 1542 of the BRCA2 protein (p.Val1542Leu). This variant is not present in population databases (gnomAD no frequency). This variant has not been reported in the literature in individuals affected with BRCA2-related conditions. ClinVar contains an entry for this variant (Variation ID: 1951568). Invitae Evidence Modeling of protein sequence and biophysical properties (such as structural, functional, and spatial information, amino acid conservation, physicochemical variation, residue mobility, and thermodynamic stability) indicates that this missense variant is not expected to disrupt BRCA2 protein function with a negative predictive value of 95%. In summary, the available evidence is currently insufficient to determine the role of this variant in disease. Therefore, it has been classified as a Variant of Uncertain Significance.

Ambry Genetics
Classification: Uncertain significance for Hereditary cancer-predisposing syndrome. Last evaluated: 2025-03-01. Review status: criteria provided, single submitter. Criteria: Ambry Variant Classification Scheme 2023. Collection method: clinical testing. Allele origin: germline.
Comment: The p.V1542L variant (also known as c.4624G>T), located in coding exon 10 of the BRCA2 gene, results from a G to T substitution at nucleotide position 4624. The valine at codon 1542 is replaced by leucine, an amino acid with highly similar properties. This amino acid position is well conserved in available vertebrate species. In addition, the in silico prediction for this alteration is inconclusive. Based on the available evidence, the clinical significance of this variant remains unclear.

University of Washington Department of Laboratory Medicine, University of Washington
Classification: Likely benign for Hereditary cancer-predisposing syndrome. Last evaluated: 2023-03-23. Review status: criteria provided, single submitter. Criteria: Dines et al. (Genet Med. 2020). Collection method: curation. Allele origin: germline.
Comment: Missense variant in a coldspot region where missense variants are very unlikely to be pathogenic (PMID:31911673).

BRCA2 exon 11 coldspot. Reclassification based on statistical prior probability.

NM_000059.4(BRCA2):c.4624G>T (p.Val1542Leu)

Gene: BRCA2 (BRCA2 DNA repair associated; plus strand). Cytogenetic location: 13q13.1.
Variant type: single nucleotide variant.
Coding change: c.4624G>T on transcript NM_000059.4 (MANE Select); coding-DNA position 4624, G replaced by T.
Protein change: p.Val1542Leu; replaces valine 1542 with leucine.
Molecular consequence: missense variant.
Genome position (GRCh38, 1-based): chr13:32,338,979, G>T. VCF-style: chr13-32338979-G-T. GRCh37 (hg19) VCF-style: chr13-32913116-G-T.
Other names: c.4624G>T, p.Val1542Leu (NM_001406719.1, NM_001406720.1); short protein forms V1542L.
Identifiers: ClinVar variation 1951568 (VCV001951568.8), dbSNP rs28897729, ClinGen allele CA387782071.